The following is an entry in ClinVar:

ClinVar aggregate classification (germline): Pathogenic. Review status: reviewed by expert panel (3 of 4 stars). 12 submissions from 12 submitters: Pathogenic (1). 11 of the submissions do not count toward it. Last evaluated 2025-03-18.

Conditions:
Muscular dystrophy, limb-girdle, autosomal dominant 4. Also called: MUSCULAR DYSTROPHY, LIMB-GIRDLE, TYPE 1I; Calpain-3-related limb-girdle muscular dystrophy D4. Identifiers: Orphanet 565909, MedGen C4748295, MONDO:0029133, OMIM 618129.
Autosomal recessive limb-girdle muscular dystrophy type 2A (LGMDR1). Also called: Muscular dystrophy, limb-girdle, type 2A, Amish; Limb-girdle muscular dystrophy, type 2A; Calpainopathy; LEYDEN-MOEBIUS MUSCULAR DYSTROPHY; MUSCULAR DYSTROPHY, PELVOFEMORAL. Identifiers: Orphanet 267, MedGen C1869123, MONDO:0009675, OMIM 253600. Disease mechanism: loss of function.
Autosomal recessive limb-girdle muscular dystrophy. Identifiers: Orphanet 102015, MedGen C2931907, MONDO:0015152.

Allele frequency attached by ClinVar (database versions not stated): gnomAD 0.00001; ExAC 0.00002; TOPMed 0.00001; ESP Exome Variant Server 0.00008; gnomAD exomes 0.00001.
gnomAD v4.1: 33 of 1,611,120 alleles (0.002%); highest among the groups gnomAD compares: Middle Eastern, 0.016%; no homozygotes.

Submissions (12):

ClinGen Limb Girdle Muscular Dystrophy Variant Curation Expert Panel, ClinGen
Classification: Pathogenic for Autosomal recessive limb-girdle muscular dystrophy. Last evaluated: 2025-03-18. Review status: reviewed by expert panel. Criteria: ClinGen LGMD VCEP ACMG Specifications CAPN3 V1.0.0. Collection method: curation. Allele origin: germline. Inheritance: Autosomal recessive inheritance.
Comment: The NM_000070.3:c.1194-9A>G variant in CAPN3 is located in intron 9 of 23 and is expected to disrupt the canonical splice acceptor site (SpliceAI score 0.97 for acceptor loss) and create an alternative acceptor site (SpliceAI score 1.0 for acceptor gain). RNA analysis has demonstrated a splice effect of this variant, resulting in inclusion of the last eight nucleotides of intron 9, which is expected to lead to a frameshift, premature truncation, and subsequent nonsense mediated decay (PVS1_RNA). This variant has been detected in at least 9 unrelated individuals with clinical features of limb girdle muscular dystrophy (PMID: 30564623, 22158424, 12461690, 18055493, 25135358, 10330340, 11525884; LOVD CAPN3_000088; ClinVar SCV003922313.1), including in a homozygous state (0.75 pts) (PMID: 12461690, 11525884) and in unknown phase with a pathogenic variant (c.1469G>A p.(Arg490Gln), 0.5 pts, ClinVar SCV003922313.1 (PM3). At least one individual with this variant displayed progressive limb girdle muscle weakness or had a clinical suspicion of LGMD (PP4). The minor allele frequency of this variant is 0.00001758 in the European (non-Finnish) population in gnomAD v2.1.1 (2/113748 chromosomes), which is lower than the LGMD VCEP threshold (<0.0001) for PM2_Supporting, meeting this criterion (PM2_Supporting). In summary, this variant meets the criteria to be classified as Pathogenic for autosomal recessive limb girdle muscular dystrophy based on the ACMG/AMP criteria applied, as specified by the ClinGen LGMD VCEP (LGMD VCEP specifications version 1.0.0; 03/18/2025): PVS1_RNA, PM3, PP4, PM2_Supporting.

Labcorp Genetics (formerly Invitae), Labcorp
Classification: Pathogenic for Autosomal recessive limb-girdle muscular dystrophy type 2A. Last evaluated: 2025-07-20. Review status: criteria provided, single submitter. Criteria: Invitae Variant Classification Sherloc (09022015). Collection method: clinical testing. Allele origin: germline. Not counted in ClinVar's aggregate classification.
Comment: This sequence change falls in intron 9 of the CAPN3 gene. It does not directly change the encoded amino acid sequence of the CAPN3 protein. RNA analysis indicates that this variant induces altered splicing and may result in an absent or altered protein product. This variant is present in population databases (rs374665929, gnomAD 0.007%). This variant has been observed in individuals with autosomal recessive limb-girdle muscular dystrophy (PMID: 10330340, 11525884, 12461690, 18055493, 22158424, 25135358). It has also been observed to segregate with disease in related individuals. ClinVar contains an entry for this variant (Variation ID: 217146). Studies have shown that this variant results in the retention of 8 nucleotides of intron 9, and produces a non-functional protein and/or introduces a premature termination codon (PMID: 22158424). For these reasons, this variant has been classified as Pathogenic.

Natera, Inc.
Classification: Pathogenic for Limb-girdle muscular dystrophy type 2A. Last evaluated: 2025-06-05. Review status: criteria provided, single submitter. Criteria: Natera Variant Classification Schema (03/2026). Collection method: clinical testing. Allele origin: germline. Not counted in ClinVar's aggregate classification.
Comment: The c.1194-9A>G variant in CAPN3 is an intronic variant located outside the canonical splice sites. This variant is rare in the general population with a frequency below the threshold expected for the associated phenotype(s). This variant has been observed in one or more individuals affected with the associated recessive disease, as either homozygous or compound heterozygous with a second variant (PMID: 37526466). Given the available evidence, this variant is classified as Pathogenic.

Athena Diagnostics
Classification: Pathogenic. Last evaluated: 2025-02-21. Review status: criteria provided, single submitter. Criteria: Athena Diagnostics Criteria. Collection method: clinical testing. Allele origin: unknown. Not counted in ClinVar's aggregate classification.
Comment: The frequency of this variant in the general population is consistent with pathogenicity. This variant has been seen with a single recessive pathogenic variant in the same gene in multiple individuals with autosomal recessive limb-girdle muscular dystrophy (LGMD). This variant segregates with disease in at least one family. Assessment of experimental evidence suggests this variant results in abnormal protein function. (PMID: 22158424)

Revvity Omics, Revvity
Classification: Pathogenic. Last evaluated: 2024-12-04. Review status: criteria provided, single submitter. Criteria: ACMG Guidelines, 2015. Collection method: clinical testing. Allele origin: germline. Not counted in ClinVar's aggregate classification.

Fulgent Genetics
Classification: Pathogenic for Autosomal recessive limb-girdle muscular dystrophy type 2A; Muscular dystrophy, limb-girdle, autosomal dominant 4. Last evaluated: 2024-04-08. Review status: criteria provided, single submitter. Criteria: ACMG Guidelines, 2015. Collection method: clinical testing. Allele origin: germline. Not counted in ClinVar's aggregate classification.

Baylor Genetics
Classification: Pathogenic for Muscular dystrophy, limb-girdle, autosomal dominant 4. Last evaluated: 2024-03-19. Review status: criteria provided, single submitter. Criteria: ACMG Guidelines, 2015. Collection method: clinical testing. Allele origin: unknown. Not counted in ClinVar's aggregate classification.

Broad Center for Mendelian Genomics, Broad Institute of MIT and Harvard
Classification: Pathogenic for Autosomal recessive limb-girdle muscular dystrophy. Last evaluated: 2023-05-02. Review status: criteria provided, single submitter. Criteria: ACMG Guidelines, 2015. Collection method: curation. Allele origin: germline. Inheritance: Autosomal recessive inheritance. Not counted in ClinVar's aggregate classification.
Comment: The c.1194-9A>G variant in CAPN3 has been previously reported in twelve individuals with autosomal recessive limb-girdle muscular dystrophy 1 (PMID: 25135358, PMID: 27066573, PMID: 10330340, PMID: 10330340, PMID: 31788660, PMID: 32528171, PMID: 30919934, PMID: 34720847, PMID: 33335567, PMID: 18055493, PMID: 11525884, PMID: 22158424, PMID: 12461690), segregated with disease in 3 affected relatives from one family (PMID: 22158424), but has been identified in 0.006% (1/16256) of African/African American chromosomes by the Genome Aggregation Database (gnomAD; dbSNP ID: rs374665929). Although this variant has been seen in the general population in a heterozygous state, its frequency is low enough to be consistent with a recessive carrier frequency. This variant has also been reported in ClinVar (Variation ID: 217146) and has been interpreted as pathogenic by PerkinElmer Genomics, Natera, Inc, Athena Diagnostics, Invitae, and Eurofins NTD LLC, and as likely pathogenic by Counsyl and GeneDx. RT-PCR analysis performed on RNA from an affected individual‚Äôs muscle biopsy showed altered splicing, with incorporation of eight nucleotides from intron 9 in a transcript lacking the seven first exons, versus the wild-type transcript seen in RNA from a muscle biopsy of a unaffected control individual (PMID: 22158424). This variant is located in the 3‚Äô splice region. Computational tools do suggest an impact to splicing. However, this information is not predictive enough to determine pathogenicity. In summary, this variant meets criteria to be classified as pathogenic for autosomal recessive limb-girdle muscular dystrophy 1. ACMG/AMP Criteria applied: PM3_VeryStrong, PS3_Moderate, PM2_Supporting, PP1 (Richards 2015).

GeneDx
Classification: Pathogenic. Last evaluated: 2023-04-24. Review status: criteria provided, single submitter. Criteria: GeneDx Variant Classification Process June 2021. Collection method: clinical testing. Allele origin: germline. Affected: yes. Not counted in ClinVar's aggregate classification.
Comment: Published functional studies demonstrate a damaging effect by impairing splicing causing at least a partial intron 9 retention (Salem et al., 2012); This variant is associated with the following publications: (PMID: 25525159, 10330340, 22158424, 33335567, 34720847, 32528171, 31788660, 25135358, 27500519, 30919934, 28403181, 11525884, 26404900)

Eurofins Ntd Llc (ga)
Classification: Pathogenic. Last evaluated: 2017-10-10. Review status: criteria provided, single submitter. Criteria: EGL Classification Definitions 2015. Collection method: clinical testing. Allele origin: germline. Observed: 8 variant alleles, 8 heterozygotes. Not counted in ClinVar's aggregate classification.

Juno Genomics, Hangzhou Juno Genomics, Inc
Classification: Pathogenic for Muscular dystrophy, limb-girdle, autosomal dominant 4; Autosomal recessive limb-girdle muscular dystrophy type 2A. Review status: criteria provided, single submitter. Criteria: ACMG Guidelines, 2015. Collection method: clinical testing. Allele origin: germline. Affected: yes. Not counted in ClinVar's aggregate classification.
Comment: Absent from controls (or at extremely low frequency if recessive) in Genome Aggregation Database, Exome Sequencing Project, 1000 Genomes Project, or Exome Aggregation Consortium.;Multiple lines of computational evidence support a deleterious effect on the gene or gene product (conservation, evolutionary, splicing impact, etc).;For recessive disorders, detected in trans with a pathogenic variant.;Co-segregation with disease in multiple affected family members in a gene definitively known to cause the disease.

Counsyl
Classification: Likely pathogenic for Autosomal recessive limb-girdle muscular dystrophy type 2A. Last evaluated: 2017-09-11. Review status: no assertion criteria provided. Collection method: clinical testing. Allele origin: unknown. Not counted in ClinVar's aggregate classification.

Literature cited by the submitters: PubMed 10330340 (cited by Labcorp Genetics (formerly Invitae), Labcorp and Athena Diagnostics); PubMed 11525884 (cited by Labcorp Genetics (formerly Invitae), Labcorp and Athena Diagnostics); PubMed 12461690 (cited by Labcorp Genetics (formerly Invitae), Labcorp and Athena Diagnostics); PubMed 18055493 (cited by Labcorp Genetics (formerly Invitae), Labcorp and Athena Diagnostics); PubMed 22158424 (cited by 3 submitters); PubMed 25135358 (cited by 3 submitters); PubMed 37526466 (cited by Natera, Inc.); PubMed 27066573 (cited by Athena Diagnostics and Counsyl).

NM_000070.3(CAPN3):c.1194-9A>G

Gene: CAPN3 (calpain 3; plus strand). Cytogenetic location: 15q15.1.
Variant type: single nucleotide variant.
Coding change: c.1194-9A>G on transcript NM_000070.3 (MANE Select); 9 bases into the intron before coding-DNA position 1194, A replaced by G.
Molecular consequence: intron variant.
Genome position (GRCh38, 1-based): chr15:42,399,483, A>G. VCF-style: chr15-42399483-A-G. GRCh37 (hg19) VCF-style: chr15-42691681-A-G.
Other names: c.1194-9A>G (NM_024344.2); c.1050-9A>G (NM_173087.2).
Identifiers: ClinVar variation 217146 (VCV000217146.32), dbSNP rs374665929, ClinGen allele CA347487.